The following is an entry in ClinVar:

ClinVar aggregate classification (germline): Uncertain significance (1 of 4 stars; one submission).

gnomAD v4.1: 1 of 1,613,886 alleles (0.000062%); highest among the groups gnomAD compares: Admixed American, 0.0017%; no homozygotes.

Submission:

Labcorp Genetics (formerly Invitae), Labcorp
Classification: Uncertain significance. Last evaluated: 2025-07-23. Review status: criteria provided, single submitter. Criteria: Invitae Variant Classification Sherloc (09022015). Collection method: clinical testing. Allele origin: germline.
Comment: This sequence change replaces asparagine, which is neutral and polar, with aspartic acid, which is acidic and polar, at codon 129 of the ANK3 protein (p.Asn129Asp). This variant is present in population databases (no rsID available, gnomAD 0.003%). This variant has not been reported in the literature in individuals affected with ANK3-related conditions. An algorithm developed to predict the effect of missense changes on protein structure and function (PolyPhen-2) suggests that this variant is likely to be disruptive. In summary, the available evidence is currently insufficient to determine the role of this variant in disease. Therefore, it has been classified as a Variant of Uncertain Significance.

NM_020987.5(ANK3):c.385A>G (p.Asn129Asp)

Gene: ANK3 (ankyrin 3; minus strand). Cytogenetic location: 10q21.2.
Variant type: single nucleotide variant.
Coding change: c.385A>G on transcript NM_020987.5 (MANE Select); coding-DNA position 385, A replaced by G.
Protein change: p.Asn129Asp; replaces asparagine 129 with aspartic acid.
Molecular consequence: missense variant.
Genome position (GRCh38, 1-based): chr10:60,278,803, T>C on the plus strand (A>G on the coding strand, the complement: ANK3 is on the minus strand). VCF-style: chr10-60278803-T-C. GRCh37 (hg19) VCF-style: chr10-62038561-T-C.
Other names: c.367A>G, p.Asn123Asp (NM_001204403.2); c.334A>G, p.Asn112Asp (NM_001204404.2); c.385A>G, p.Asn129Asp (NM_001320874.2); short protein forms N129D, N112D, N123D.
Identifiers: ClinVar variation 4723948 (VCV004723948.1).